The following is an entry in ClinVar:

ClinVar aggregate classification (germline): Uncertain significance. Review status: criteria provided, multiple submitters, no conflicts (2 of 4 stars). 3 submissions from 3 submitters: Uncertain significance (3). Last evaluated 2023-09-01.

Conditions:
Saldino-Mainzer syndrome (SRTD9). Also called: SHORT-RIB THORACIC DYSPLASIA 9 WITHOUT POLYDACTYLY; Renal dysplasia, retinal pigmentary dystrophy, cerebellar ataxia and skeletal dysplasia; short-rib thoracic dysplasia 9 with or without polydactyly; CONORENAL SYNDROME. Identifiers: Orphanet 140969, MedGen C1849437, MONDO:0009964, OMIM 266920.
Retinitis pigmentosa 80 (RP80). Identifiers: MedGen C4540439, MONDO:0054708, OMIM 617781.

Allele frequency attached by ClinVar (database versions not stated): gnomAD exomes below 0.00001.
gnomAD v4.1: 1 of 1,613,116 alleles (0.000062%); highest among the groups gnomAD compares: East Asian, 0.0022%; no homozygotes.

Submissions (3):

New York Genome Center
Classification: Uncertain significance for Saldino-Mainzer syndrome; Retinitis pigmentosa 80. Last evaluated: 2023-09-01. Review status: criteria provided, single submitter. Criteria: NYGC Assertion Criteria 2020. Collection method: clinical testing. Allele origin: inherited. Observed: 1 homozygote.

GeneDx
Classification: Uncertain significance. Last evaluated: 2019-09-27. Review status: criteria provided, single submitter. Criteria: GeneDx Variant Classification Process June 2021. Collection method: clinical testing. Allele origin: germline. Affected: yes.
Comment: Not observed at a significant frequency in large population cohorts (Lek et al., 2016); In silico analysis, which includes protein predictors and evolutionary conservation, supports a deleterious effect; Has not been previously published as pathogenic or benign to our knowledge

Blueprint Genetics
Classification: Uncertain significance. Last evaluated: 2018-06-07. Review status: criteria provided, single submitter. Criteria: ACMG Guidelines, 2015. Collection method: clinical testing. Allele origin: germline.

NM_014714.4(IFT140):c.3176C>T (p.Ala1059Val)

Gene: IFT140 (intraflagellar transport 140; minus strand). Cytogenetic location: 16p13.3.
Variant type: single nucleotide variant.
Coding change: c.3176C>T on transcript NM_014714.4 (MANE Select); coding-DNA position 3176, C replaced by T.
Protein change: p.Ala1059Val; replaces alanine 1059 with valine.
Molecular consequence: missense variant.
Genome position (GRCh38, 1-based): chr16:1,523,922, G>A on the plus strand (C>T on the coding strand, the complement: IFT140 is on the minus strand). VCF-style: chr16-1523922-G-A. GRCh37 (hg19) VCF-style: chr16-1573923-G-A.
Other names: short protein forms A1059V.
Identifiers: ClinVar variation 1308724 (VCV001308724.4), dbSNP rs779603114, ClinGen allele CA7813263.